The following is an entry in ClinVar:

ClinVar aggregate classification (germline): Uncertain significance (1 of 4 stars; one submission).

Conditions:
TRRAP-related disorder. Also called: TRRAP-related condition.

Allele frequency attached by ClinVar (database versions not stated): TOPMed below 0.00001; gnomAD 0.00002; gnomAD exomes 0.00003; ExAC 0.00004; 1000 Genomes Project 30x 0.00016; 1000 Genomes Project 0.00020.
gnomAD v4.1: 48 of 1,614,050 alleles (0.003%); highest among the groups gnomAD compares: Non-Finnish European, 0.0036%; no homozygotes.

Submission:

PreventionGenetics, part of Exact Sciences
Classification: Uncertain significance for TRRAP-related condition. Last evaluated: 2023-06-23. Review status: criteria provided, single submitter. Criteria: ACMG Guidelines, 2015. Collection method: clinical testing. Allele origin: germline.
Comment: The TRRAP c.6317G>A variant is predicted to result in the amino acid substitution p.Arg2106His. To our knowledge, this variant has not been reported in any affected individuals. This variant is reported in 0.0039% of alleles in individuals of European (Non-Finnish) descent in gnomAD. At this time, the clinical significance of this variant is uncertain due to the absence of conclusive functional and genetic evidence.

NM_001375524.1(TRRAP):c.6392G>A (p.Arg2131His)

Gene: TRRAP (transformation/transcription domain associated protein; plus strand). Cytogenetic location: 7q22.1.
Variant type: single nucleotide variant.
Coding change: c.6392G>A on transcript NM_001375524.1 (MANE Select); coding-DNA position 6392, G replaced by A.
Protein change: p.Arg2131His; replaces arginine 2131 with histidine.
Molecular consequence: missense variant.
Genome position (GRCh38, 1-based): chr7:98,959,393, G>A. VCF-style: chr7-98959393-G-A. GRCh37 (hg19) VCF-style: chr7-98557016-G-A.
Other names: c.6371G>A, p.Arg2124His (NM_001244580.2); c.6317G>A, p.Arg2106His (NM_003496.4); short protein forms R2106H, R2124H, R2131H.
Identifiers: ClinVar variation 2629205 (VCV002629205.1), dbSNP rs199540746, ClinGen allele CA4360852.